The following is an entry in ClinVar:

NM_001849.4(COL6A2):c.664G>A (p.Asp222Asn)

Gene: COL6A2 (collagen type VI alpha 2 chain; plus strand). Cytogenetic location: 21q22.3.
Variant type: single nucleotide variant.
Coding change: c.664G>A on transcript NM_001849.4 (MANE Select); coding-DNA position 664, G replaced by A.
Protein change: p.Asp222Asn; replaces aspartic acid 222 with asparagine.
Molecular consequence: missense variant.
Genome position (GRCh38, 1-based): chr21:46,112,527, G>A. VCF-style: chr21-46112527-G-A. GRCh37 (hg19) VCF-style: chr21-47532441-G-A.
Other names: c.664G>A (NM_001849.3); c.664G>A, p.Asp222Asn (NM_058174.3, NM_058175.3); short protein forms D222N.
Identifiers: ClinVar variation 596773 (VCV000596773.13), dbSNP rs776631856, ClinGen allele CA10071368.

ClinVar aggregate classification (germline): Uncertain significance. Review status: criteria provided, multiple submitters, no conflicts (2 of 4 stars). 3 submissions from 3 submitters: Uncertain significance (3). Last evaluated 2024-08-28.

Conditions:
Inborn genetic diseases. Identifiers: MedGen C0950123, MeSH D030342.
Bethlem myopathy 1A. Also called: Bethlem Muscular Dystrophy; Bethlem myopathy 1; MYOPATHY, BENIGN CONGENITAL, WITH CONTRACTURES. Identifiers: Orphanet 610, MedGen CN029274, MONDO:0024530, OMIM 158810.

Allele frequency attached by ClinVar (database versions not stated): ExAC 0.00001; gnomAD 0.00001; gnomAD exomes 0.00001.
gnomAD v4.1: 14 of 1,611,780 alleles (0.00087%); highest among the groups gnomAD compares: East Asian, 0.0022%; no homozygotes.

Submissions (3):

Ambry Genetics
Classification: Uncertain significance for Inborn genetic diseases. Last evaluated: 2024-08-28. Review status: criteria provided, single submitter. Criteria: Ambry Variant Classification Scheme 2023. Collection method: clinical testing. Allele origin: germline.

Labcorp Genetics (formerly Invitae), Labcorp
Classification: Uncertain significance for Bethlem myopathy 1A. Last evaluated: 2021-04-11. Review status: criteria provided, single submitter. Criteria: Invitae Variant Classification Sherloc (09022015). Collection method: clinical testing. Allele origin: germline.
Comment: In summary, the available evidence is currently insufficient to determine the role of this variant in disease. Therefore, it has been classified as a Variant of Uncertain Significance. Advanced modeling of protein sequence and biophysical properties (such as structural, functional, and spatial information, amino acid conservation, physicochemical variation, residue mobility, and thermodynamic stability) performed at Invitae indicates that this missense variant is not expected to disrupt COL6A2 protein function. This variant has not been reported in the literature in individuals with COL6A2-related conditions. ClinVar contains an entry for this variant (Variation ID: 596773). This variant is present in population databases (rs776631856, ExAC 0.002%). This sequence change replaces aspartic acid with asparagine at codon 222 of the COL6A2 protein (p.Asp222Asn). The aspartic acid residue is moderately conserved and there is a small physicochemical difference between aspartic acid and asparagine.

Eurofins Ntd Llc (ga)
Classification: Uncertain significance. Last evaluated: 2018-04-04. Review status: criteria provided, single submitter. Criteria: EGL ClinVar v180209 classification definitions. Collection method: clinical testing. Allele origin: germline. Observed: 1 variant allele, 1 heterozygote.